The following is an entry in ClinVar:

ClinVar aggregate classification (germline): Likely benign (0 of 4 stars; one submission).

Conditions:
PPP1R21-related disorder. Also called: PPP1R21-related condition.

Allele frequency attached by ClinVar (database versions not stated): gnomAD exomes 0.00002; TOPMed 0.00002; gnomAD 0.00003; ExAC 0.00004.

Submission:

PreventionGenetics, part of Exact Sciences
Classification: Likely benign for PPP1R21-related condition. Last evaluated: 2019-02-28. Review status: no assertion criteria provided. Collection method: clinical testing. Allele origin: germline.
Comment: This variant is classified as likely benign based on ACMG/AMP sequence variant interpretation guidelines (Richards et al. 2015 PMID: 25741868, with internal and published modifications).

NM_001135629.3(PPP1R21):c.298T>C (p.Leu100=)

Gene: PPP1R21 (protein phosphatase 1 regulatory subunit 21; plus strand). Cytogenetic location: 2p16.3.
Variant type: single nucleotide variant.
Coding change: c.298T>C on transcript NM_001135629.3 (MANE Select); coding-DNA position 298, T replaced by C.
Protein change: p.Leu100=; no amino-acid change (leucine 100 retained).
Molecular consequence: synonymous variant. On other transcripts: non-coding transcript variant (1).
Genome position (GRCh38, 1-based): chr2:48,458,150, T>C. VCF-style: chr2-48458150-T-C. GRCh37 (hg19) VCF-style: chr2-48685289-T-C.
Other names: c.298T>C, p.Leu100= (NM_001193475.2, NM_152994.5).
Identifiers: ClinVar variation 3058520 (VCV003058520.2), dbSNP rs201118156, ClinGen allele CA1650813.
Genomic context (GRCh38, chr2:48,458,150, plus strand): 5'-GAAAGTTATGTGGACATAACTTATTCTTTCCATCAGAAAAGTGGAGAATCTTCTTCTCAG[T>C]TGAGTCAAGAGCAGAAGAGTGTCTTTGATGAAGATCTGCAAAAGAAGATAGAAGAGAATG-3'
Protein context (NP_001129101.1, residues 90-110): NKKSGESSSQ[Leu100=]SQEQKSVFDE